The following is an entry in ClinVar:

ClinVar aggregate classification (germline): Uncertain significance (1 of 4 stars; one submission).

Conditions:
RASopathy. Also called: Noonan spectrum disorder; rasopathies. Identifiers: Orphanet 536391, MedGen C5555857, MONDO:0021060.

Allele frequency attached by ClinVar (database versions not stated): gnomAD exomes below 0.00001.
gnomAD v4.1: 2 of 1,614,208 alleles (0.00012%); highest among the groups gnomAD compares: South Asian, 0.0011%; no homozygotes.

Submission:

Labcorp Genetics (formerly Invitae), Labcorp
Classification: Uncertain significance for RASopathy. Last evaluated: 2021-07-04. Review status: criteria provided, single submitter. Criteria: Invitae Variant Classification Sherloc (09022015). Collection method: clinical testing. Allele origin: germline.
Comment: This variant is not present in population databases (ExAC no frequency). In summary, the available evidence is currently insufficient to determine the role of this variant in disease. Therefore, it has been classified as a Variant of Uncertain Significance. Advanced modeling of protein sequence and biophysical properties (such as structural, functional, and spatial information, amino acid conservation, physicochemical variation, residue mobility, and thermodynamic stability) performed at Invitae indicates that this missense variant is expected to disrupt MAP2K1 protein function. This variant has not been reported in the literature in individuals with MAP2K1-related conditions. This sequence change replaces isoleucine with valine at codon 141 of the MAP2K1 protein (p.Ile141Val). The isoleucine residue is highly conserved and there is a small physicochemical difference between isoleucine and valine.

NM_002755.4(MAP2K1):c.421A>G (p.Ile141Val)

Gene: MAP2K1 (mitogen-activated protein kinase kinase 1; plus strand). Cytogenetic location: 15q22.31.
Variant type: single nucleotide variant.
Coding change: c.421A>G on transcript NM_002755.4 (MANE Select); coding-DNA position 421, A replaced by G.
Protein change: p.Ile141Val; replaces isoleucine 141 with valine.
Molecular consequence: missense variant.
Genome position (GRCh38, 1-based): chr15:66,436,875, A>G. VCF-style: chr15-66436875-A-G. GRCh37 (hg19) VCF-style: chr15-66729213-A-G.
Other names: short protein forms I141V.
Identifiers: ClinVar variation 1398555 (VCV001398555.8), dbSNP rs1189360966, ClinGen allele CA392930984.